The following is an entry in ClinVar:

NM_006208.3(ENPP1):c.*3017C>T

Gene: ENPP1 (ectonucleotide pyrophosphatase/phosphodiesterase 1; plus strand). Cytogenetic location: 6q23.2.
Variant type: single nucleotide variant.
Coding change: c.*3017C>T on transcript NM_006208.3 (MANE Select); 3017 bases downstream of the stop codon, C replaced by T.
Molecular consequence: 3 prime UTR variant.
Genome position (GRCh38, 1-based): chr6:131,893,528, C>T. VCF-style: chr6-131893528-C-T. GRCh37 (hg19) VCF-style: chr6-132214668-C-T.
Identifiers: ClinVar variation 355410 (VCV000355410.5), dbSNP rs1931009, ClinGen allele CA10625976.

ClinVar aggregate classification (germline): Benign. Review status: criteria provided, single submitter (1 of 4 stars). 2 submissions from 1 submitter: Benign (2). Last evaluated 2018-01-12.

Conditions:
Hypophosphatemic rickets, autosomal recessive, 2 (ARHR2). Identifiers: Orphanet 289176, MedGen C2750078, MONDO:0013219, OMIM 613312.
Arterial calcification, generalized, of infancy, 1 (GACI1). Also called: Idiopathic Infantile Arterial Calcification. Identifiers: Orphanet 51608, MedGen C4551985, MONDO:0008817, OMIM 208000.

Allele frequency attached by ClinVar (database versions not stated): gnomAD 0.03561 and 0.03849; TOPMed 0.04091; 1000 Genomes Project 30x 0.06152; 1000 Genomes Project 0.06250; gnomAD exomes 0.16667.
gnomAD v4.1: 5,958 of 152,314 alleles (3.9%); highest among the groups gnomAD compares: East Asian, 15%; 202 homozygotes.

Submissions (2):

Illumina Laboratory Services, Illumina
Classification: Benign for Arterial calcification, generalized, of infancy, 1. Last evaluated: 2018-01-12. Review status: criteria provided, single submitter. Criteria: ICSL Variant Classification Criteria 13 December 2019. Collection method: clinical testing. Allele origin: germline.
Comment: This variant was observed in the ICSL laboratory as part of a predisposition screen in an ostensibly healthy population. It had not been previously curated by ICSL or reported in the Human Gene Mutation Database (HGMD: prior to June 1st, 2018), and was therefore a candidate for classification through an automated scoring system. Utilizing variant allele frequency, disease prevalence and penetrance estimates, and inheritance mode, an automated score was calculated to assess if this variant is too frequent to cause the disease. Based on the score and internal cut-off values, a variant classified as benign is not then subjected to further curation. The score for this variant resulted in a classification of benign for this disease.

Illumina Laboratory Services, Illumina
Classification: Benign for Hypophosphatemic rickets, autosomal recessive, 2. Last evaluated: 2018-01-12. Review status: criteria provided, single submitter. Criteria: ICSL Variant Classification Criteria 13 December 2019. Collection method: clinical testing. Allele origin: germline.
Comment: the same text as in the submission from Illumina Laboratory Services, Illumina above.